The following is an entry in ClinVar:

ClinVar aggregate classification (germline): Conflicting classifications of pathogenicity. Review status: criteria provided, conflicting classifications (1 of 4 stars). 4 submissions from 4 submitters: Uncertain significance (3); Benign (1). Last evaluated 2025-02-11.

Conditions:
JAG1-related disorder. Also called: JAG1-related condition; JAG1-related disorders.
Alagille syndrome due to a JAG1 point mutation. Also called: Alagille Syndrome 1; HEPATIC DUCTULAR HYPOPLASIA, SYNDROMATIC; JAG1-Related Alagille Syndrome. Identifiers: Orphanet 261619, Orphanet 52, MedGen C1956125, MONDO:0016862, OMIM 118450.
Deafness, congenital heart defects, and posterior embryotoxon (DCHE). Identifiers: MedGen C1866053, MONDO:0060713, OMIM 617992.
Charcot-Marie-Tooth disease, axonal, Type 2HH. Also called: CHARCOT-MARIE-TOOTH NEUROPATHY, TYPE 2HH. Identifiers: MedGen C5562003, MONDO:0030458, OMIM 619574.
Tetralogy of Fallot (TOF). Identifiers: Orphanet 3303, MedGen C0039685, MONDO:0008542, OMIM 187500, HP:0001636.

Allele frequency attached by ClinVar (database versions not stated): gnomAD exomes below 0.00001 and 0.00003; gnomAD 0.00001 and 0.00002; ExAC 0.00003; 1000 Genomes Project 30x 0.00031; 1000 Genomes Project 0.00040.
gnomAD v4.1: 9 of 1,608,952 alleles (0.00056%); highest among the groups gnomAD compares: East Asian, 0.018%; no homozygotes.

Submissions (4):

PreventionGenetics, part of Exact Sciences
Classification: Uncertain significance for JAG1-related condition. Last evaluated: 2025-02-11. Review status: criteria provided, single submitter. Criteria: ACMG Guidelines, 2015. Collection method: clinical testing. Allele origin: germline.
Comment: The JAG1 c.1367G>A variant is predicted to result in the amino acid substitution p.Gly456Asp. To our knowledge, this variant has not been reported in the literature. This variant is reported in 0.043% of alleles in individuals of East Asian descent in gnomAD. Although we suspect that this variant may be benign, at this time, the clinical significance of this variant is uncertain due to the absence of conclusive functional and genetic evidence.

Labcorp Genetics (formerly Invitae), Labcorp
Classification: Benign for Alagille syndrome due to a JAG1 point mutation. Last evaluated: 2024-07-24. Review status: criteria provided, single submitter. Criteria: Invitae Variant Classification Sherloc (09022015). Collection method: clinical testing. Allele origin: germline.

Fulgent Genetics
Classification: Uncertain significance for Alagille syndrome due to a JAG1 point mutation; Tetralogy of Fallot; Deafness, congenital heart defects, and posterior embryotoxon; Charcot-Marie-Tooth disease, axonal, Type 2HH. Last evaluated: 2022-02-02. Review status: criteria provided, single submitter. Criteria: ACMG Guidelines, 2015. Collection method: clinical testing. Allele origin: unknown.

Eurofins Ntd Llc (ga)
Classification: Uncertain significance. Last evaluated: 2018-03-02. Review status: criteria provided, single submitter. Criteria: EGL ClinVar v180209 classification definitions. Collection method: clinical testing. Allele origin: germline. Observed: 1 variant allele, 1 heterozygote.

NM_000214.3(JAG1):c.1367G>A (p.Gly456Asp)

Gene: JAG1 (jagged canonical Notch ligand 1; minus strand). Cytogenetic location: 20p12.2.
Variant type: single nucleotide variant.
Coding change: c.1367G>A on transcript NM_000214.3 (MANE Select); coding-DNA position 1367, G replaced by A.
Protein change: p.Gly456Asp; replaces glycine 456 with aspartic acid.
Molecular consequence: missense variant.
Genome position (GRCh38, 1-based): chr20:10,649,089, C>T on the plus strand (G>A on the coding strand, the complement: JAG1 is on the minus strand). VCF-style: chr20-10649089-C-T. GRCh37 (hg19) VCF-style: chr20-10629737-C-T.
Other names: c.1367G>A, p.Gly456Asp (LRG_1191t1); short protein forms G456D.
Identifiers: ClinVar variation 573016 (VCV000573016.14), dbSNP rs534533867, ClinGen allele CA9764891.